The following is an entry in ClinVar:

NM_017763.6(RNF43):c.2124G>C (p.Lys708Asn)

Gene: RNF43 (ring finger protein 43; minus strand). Cytogenetic location: 17q22.
Variant type: single nucleotide variant.
Coding change: c.2124G>C on transcript NM_017763.6 (MANE Select); coding-DNA position 2124, G replaced by C.
Protein change: p.Lys708Asn; replaces lysine 708 with asparagine.
Molecular consequence: missense variant.
Genome position (GRCh38, 1-based): chr17:58,357,652, C>G on the plus strand (G>C on the coding strand, the complement: RNF43 is on the minus strand). VCF-style: chr17-58357652-C-G. GRCh37 (hg19) VCF-style: chr17-56435013-C-G.
Other names: c.2124G>C, p.Lys708Asn (NM_001305544.3, NM_001438820.1, NM_001438821.1 and 1 more transcripts); c.1743G>C, p.Lys581Asn (NM_001305545.2, NM_001437987.1); short protein forms K581N, K708N.
Identifiers: ClinVar variation 4155731 (VCV004155731.1).

ClinVar aggregate classification (germline): Uncertain significance (1 of 4 stars; one submission).

gnomAD v4.1: 2 of 1,613,804 alleles (0.00012%); highest among the groups gnomAD compares: Non-Finnish European, 0.00017%; no homozygotes.

Submission:

Ambry Genetics
Classification: Uncertain significance. Last evaluated: 2025-06-24. Review status: criteria provided, single submitter. Criteria: Ambry Variant Classification Scheme 2023. Collection method: clinical testing. Allele origin: germline.
Comment: The p.K708N variant (also known as c.2124G>C), located in coding exon 8 of the RNF43 gene, results from a G to C substitution at nucleotide position 2124. The lysine at codon 708 is replaced by asparagine, an amino acid with similar properties. This amino acid position is conserved. In addition, this alteration is predicted to be tolerated by in silico analysis. Based on the available evidence, the clinical significance of this variant remains unclear.